The following is an entry in ClinVar:

ClinVar aggregate classification (germline): Uncertain significance. Review status: criteria provided, multiple submitters, no conflicts (2 of 4 stars). 2 submissions from 2 submitters: Uncertain significance (2). Last evaluated 2024-06-10.

Conditions:
Inborn genetic diseases. Identifiers: MedGen C0950123, MeSH D030342.

Allele frequency attached by ClinVar (database versions not stated): gnomAD 0.00003; TOPMed 0.00003.
gnomAD v4.1: 5 of 1,614,004 alleles (0.00031%); highest among the groups gnomAD compares: African/African-American, 0.0067%; no homozygotes.

Submissions (2):

Ambry Genetics
Classification: Uncertain significance for Inborn genetic diseases. Last evaluated: 2024-06-10. Review status: criteria provided, single submitter. Criteria: Ambry Variant Classification Scheme 2023. Collection method: clinical testing. Allele origin: germline.

GeneDx
Classification: Uncertain significance. Last evaluated: 2022-01-13. Review status: criteria provided, single submitter. Criteria: GeneDx Variant Classification Process June 2021. Collection method: clinical testing. Allele origin: germline. Affected: yes.
Comment: Not observed at significant frequency in large population cohorts (gnomAD); In silico analysis supports that this missense variant does not alter protein structure/function; Has not been previously published as pathogenic or benign to our knowledge

NM_001375405.1(CEP120):c.276A>G (p.Ile92Met)

Gene: CEP120 (centrosomal protein 120; minus strand). Cytogenetic location: 5q23.2.
Variant type: single nucleotide variant.
Coding change: c.276A>G on transcript NM_001375405.1 (MANE Select); coding-DNA position 276, A replaced by G.
Protein change: p.Ile92Met; replaces isoleucine 92 with methionine.
Molecular consequence: missense variant. On other transcripts: 5 prime UTR variant (2), non-coding transcript variant (1).
Genome position (GRCh38, 1-based): chr5:123,416,055, T>C on the plus strand (A>G on the coding strand, the complement: CEP120 is on the minus strand). VCF-style: chr5-123416055-T-C. GRCh37 (hg19) VCF-style: chr5-122751749-T-C.
Other names: c.198A>G, p.Ile66Met (NM_001166226.2); c.276A>G, p.Ile92Met (NM_001375406.1, NM_001375407.1, NM_153223.4); c.-473A>G (NM_001375408.1); c.-415A>G (NM_001375409.1); short protein forms I66M, I92M.
Identifiers: ClinVar variation 1697078 (VCV001697078.3), dbSNP rs1422507578, ClinGen allele CA360896275.